The following is an entry in ClinVar:

ClinVar aggregate classification (germline): Uncertain significance (1 of 4 stars; one submission).

Submission:

GeneDx
Classification: Uncertain significance. Last evaluated: 2025-03-05. Review status: criteria provided, single submitter. Criteria: GeneDx Variant Classification Process June 2021. Collection method: clinical testing. Allele origin: germline. Affected: yes.
Comment: Not observed at significant frequency in large population cohorts (gnomAD); In silico analysis supports that this missense variant has a deleterious effect on protein structure/function; Has not been previously published as pathogenic or benign to our knowledge

NM_001114753.3(ENG):c.141C>G (p.Ser47Arg)

Gene: ENG (endoglin; minus strand). Cytogenetic location: 9q34.11.
Variant type: single nucleotide variant.
Coding change: c.141C>G on transcript NM_001114753.3 (MANE Select); coding-DNA position 141, C replaced by G.
Protein change: p.Ser47Arg; replaces serine 47 with arginine.
Molecular consequence: missense variant. On other transcripts: 5 prime UTR variant (1).
Genome position (GRCh38, 1-based): chr9:127,843,172, G>C on the plus strand (C>G on the coding strand, the complement: ENG is on the minus strand). VCF-style: chr9-127843172-G-C. GRCh37 (hg19) VCF-style: chr9-130605451-G-C.
Other names: c.141C>G, p.Ser47Arg (NM_000118.4, NM_001406715.1); c.-406C>G (NM_001278138.2); short protein forms S47R.
Identifiers: ClinVar variation 4082697 (VCV004082697.1).